The following is an entry in ClinVar:

NM_014014.5(SNRNP200):c.1448G>A (p.Arg483Gln)

Gene: SNRNP200 (small nuclear ribonucleoprotein U5 subunit 200; minus strand). Cytogenetic location: 2q11.2.
Variant type: single nucleotide variant.
Coding change: c.1448G>A on transcript NM_014014.5 (MANE Select); coding-DNA position 1448, G replaced by A.
Protein change: p.Arg483Gln; replaces arginine 483 with glutamine.
Molecular consequence: missense variant.
Genome position (GRCh38, 1-based): chr2:96,297,000, C>T on the plus strand (G>A on the coding strand, the complement: SNRNP200 is on the minus strand). VCF-style: chr2-96297000-C-T. GRCh37 (hg19) VCF-style: chr2-96962738-C-T.
Other names: short protein forms R483Q.
Identifiers: ClinVar variation 1930009 (VCV001930009.7), dbSNP rs199570183, ClinGen allele CA52401808.

ClinVar aggregate classification (germline): Uncertain significance. Review status: criteria provided, multiple submitters, no conflicts (2 of 4 stars). 3 submissions from 3 submitters: Uncertain significance (2). 1 of the submissions does not count toward it. Last evaluated 2025-03-26.

Conditions:
Retinal dystrophy. Also called: Inherited retinal dystrophy. Identifiers: Orphanet 71862, MedGen C0854723, MeSH D058499, MONDO:0019118, HP:0000556.

Allele frequency attached by ClinVar (database versions not stated): TOPMed below 0.00001; gnomAD exomes 0.00001; gnomAD 0.00003.
gnomAD v4.1: 18 of 1,614,056 alleles (0.0011%); highest among the groups gnomAD compares: African/African-American, 0.004%; no homozygotes.

Submissions (3):

Labcorp Genetics (formerly Invitae), Labcorp
Classification: Uncertain significance. Last evaluated: 2025-03-26. Review status: criteria provided, single submitter. Criteria: Invitae Variant Classification Sherloc (09022015). Collection method: clinical testing. Allele origin: germline.
Comment: This sequence change replaces arginine, which is basic and polar, with glutamine, which is neutral and polar, at codon 483 of the SNRNP200 protein (p.Arg483Gln). This variant is present in population databases (rs199570183, gnomAD 0.002%). This variant has not been reported in the literature in individuals affected with SNRNP200-related conditions. ClinVar contains an entry for this variant (Variation ID: 1930009). Invitae Evidence Modeling of protein sequence and biophysical properties (such as structural, functional, and spatial information, amino acid conservation, physicochemical variation, residue mobility, and thermodynamic stability) has been performed for this missense variant. However, the output from this modeling did not meet the statistical confidence thresholds required to predict the impact of this variant on SNRNP200 protein function. In summary, the available evidence is currently insufficient to determine the role of this variant in disease. Therefore, it has been classified as a Variant of Uncertain Significance.

Blueprint Genetics
Classification: Uncertain significance. Last evaluated: 2024-11-04. Review status: criteria provided, single submitter. Criteria: ACMG Guidelines, 2015. Collection method: clinical testing. Allele origin: germline.

Institute of Human Genetics, Univ. Regensburg, Univ. Regensburg
Classification: Uncertain significance for Retinal dystrophy. Last evaluated: 2017-01-01. Review status: no assertion criteria provided. Criteria: ACMG Guidelines, 2015. Collection method: clinical testing. Allele origin: germline. Affected: yes. Not counted in ClinVar's aggregate classification.